The following is an entry in ClinVar:

ClinVar aggregate classification (germline): Uncertain significance. Review status: criteria provided, multiple submitters, no conflicts (2 of 4 stars). 3 submissions from 3 submitters: Uncertain significance (3). Last evaluated 2025-04-02.

Conditions:
Bardet-Biedl syndrome 9 (BBS9). Identifiers: Orphanet 110, MedGen C1859567, MONDO:0014437, OMIM 615986.
BBS9-related disorder. Also called: BBS9-related condition.
Bardet-Biedl syndrome (BBS). Identifiers: Orphanet 110, MedGen C0752166, MONDO:0015229.

Allele frequency attached by ClinVar (database versions not stated): TOPMed below 0.00001.
gnomAD v4.1: 3 of 1,614,138 alleles (0.00019%); highest among the groups gnomAD compares: Non-Finnish European, 0.00025%; no homozygotes.

Submissions (3):

PreventionGenetics, part of Exact Sciences
Classification: Uncertain significance for BBS9-related condition. Last evaluated: 2025-04-02. Review status: criteria provided, single submitter. Criteria: ACMG Guidelines, 2015. Collection method: clinical testing. Allele origin: germline.
Comment: The BBS9 c.2098G>A variant is predicted to result in the amino acid substitution p.Asp700Asn. To our knowledge, this variant has not been reported in the literature or in a large population database (gnomAD), indicating this variant is rare. At this time, the clinical significance of this variant is uncertain due to the absence of conclusive functional and genetic evidence.

Labcorp Genetics (formerly Invitae), Labcorp
Classification: Uncertain significance for Bardet-Biedl syndrome. Last evaluated: 2024-10-22. Review status: criteria provided, single submitter. Criteria: Invitae Variant Classification Sherloc (09022015). Collection method: clinical testing. Allele origin: germline.
Comment: This sequence change replaces aspartic acid, which is acidic and polar, with asparagine, which is neutral and polar, at codon 700 of the BBS9 protein (p.Asp700Asn). This variant is not present in population databases (gnomAD no frequency). This variant has not been reported in the literature in individuals affected with BBS9-related conditions. ClinVar contains an entry for this variant (Variation ID: 935069). Invitae Evidence Modeling of protein sequence and biophysical properties (such as structural, functional, and spatial information, amino acid conservation, physicochemical variation, residue mobility, and thermodynamic stability) indicates that this missense variant is not expected to disrupt BBS9 protein function with a negative predictive value of 80%. In summary, the available evidence is currently insufficient to determine the role of this variant in disease. Therefore, it has been classified as a Variant of Uncertain Significance.

Fulgent Genetics
Classification: Uncertain significance for Bardet-Biedl syndrome 9. Last evaluated: 2021-11-10. Review status: criteria provided, single submitter. Criteria: ACMG Guidelines, 2015. Collection method: clinical testing. Allele origin: unknown.

NM_198428.3(BBS9):c.2098G>A (p.Asp700Asn)

Gene: BBS9 (Bardet-Biedl syndrome 9; plus strand). Cytogenetic location: 7p14.3.
Variant type: single nucleotide variant.
Coding change: c.2098G>A on transcript NM_198428.3 (MANE Select); coding-DNA position 2098, G replaced by A.
Protein change: p.Asp700Asn; replaces aspartic acid 700 with asparagine.
Molecular consequence: missense variant. On other transcripts: non-coding transcript variant (3).
Genome position (GRCh38, 1-based): chr7:33,388,127, G>A. VCF-style: chr7-33388127-G-A. GRCh37 (hg19) VCF-style: chr7-33427739-G-A.
Other names: c.1993G>A, p.Asp665Asn (NM_001033604.2); c.2083G>A, p.Asp695Asn (NM_001033605.2); c.2098G>A, p.Asp700Asn (NM_001348036.1, NM_001348041.4, NM_001348043.3 and 1 more transcripts); c.1732G>A, p.Asp578Asn (NM_001348037.3, NM_001348045.3, NM_001348046.3); c.1825G>A, p.Asp609Asn (NM_001348038.3); c.1720G>A, p.Asp574Asn (NM_001348039.3); c.1978G>A, p.Asp660Asn (NM_001348040.3, NM_014451.4); c.1963G>A, p.Asp655Asn (NM_001348042.3); and 1 more; short protein forms D574N, D578N, D655N, D665N, D695N, D700N, D543N, D609N.
Identifiers: ClinVar variation 935069 (VCV000935069.11), dbSNP rs1274816953, ClinGen allele CA367254255.
Genomic context (GRCh38, chr7:33,388,127, plus strand): 5'-CTACTAGCAAGATTCAAAGATAAAACTCCTGCCCCTCTTCAACACCTGGACACCTTGTTA[G>A]ATGGAACCTACAAGCAGGTCAGTATAATATCAGTAACAGTTTTCTATTACTGGCTATACT-3'
Protein context (NP_940820.1, residues 690-710): APLQHLDTLL[Asp700Asn]GTYKQVIALA